The following is an entry in ClinVar:

NM_001267550.2(TTN):c.30683-1G>A

Gene: TTN (titin; minus strand). Cytogenetic location: 2q31.2.
Variant type: single nucleotide variant.
Coding change: c.30683-1G>A on transcript NM_001267550.2 (MANE Select); the canonical splice acceptor site of the intron before coding-DNA position 30683, G replaced by A.
Molecular consequence: splice acceptor variant. On other transcripts: intron variant (3).
Genome position (GRCh38, 1-based): chr2:178,698,915, C>T on the plus strand (G>A on the coding strand, the complement: TTN is on the minus strand). VCF-style: chr2-178698915-C-T. GRCh37 (hg19) VCF-style: chr2-179563642-C-T.
Other names: c.13282+39167G>A (NM_003319.4); c.13858+39167G>A (NM_133437.4); c.13657+39167G>A (NM_133432.3); c.26951-1G>A (NM_133378.4); c.29732-1G>A (NM_001256850.1).
Identifiers: ClinVar variation 2926522 (VCV002926522.3), dbSNP rs74864455, ClinGen allele CA349566781.
Genomic context (GRCh38, chr2:178,698,915, plus strand): 5'-TCATCTCTTTGGGCTTTGCAACAACTTTTTTGGCATCTTTCTTCACAGCCTTTTTGGTAA[C>T]TAAAAAAAAAAAAAAAGAAAAAAAAAGAAAAAATATTTCTGGTGTAAGTAACTAAAATGC-3'

ClinVar aggregate classification (germline): Likely pathogenic (1 of 4 stars; one submission).

Conditions:
Dilated cardiomyopathy 1G (CMD1G). Identifiers: Orphanet 154, MedGen C1858763, MONDO:0011400, OMIM 604145.
Autosomal recessive limb-girdle muscular dystrophy type 2J (LGMDR10). Also called: Limb-girdle muscular dystrophy, type 2J; MUSCULAR DYSTROPHY, LIMB-GIRDLE, AUTOSOMAL RECESSIVE 10. Identifiers: Orphanet 140922, MedGen C1837342, MONDO:0012127, OMIM 608807.

Allele frequency attached by ClinVar (database versions not stated): gnomAD exomes below 0.00001.
gnomAD v4.1: 3 of 1,303,092 alleles (0.00023%); highest among the groups gnomAD compares: Non-Finnish European, 0.00029%; no homozygotes.

Submission:

Labcorp Genetics (formerly Invitae), Labcorp
Classification: Likely pathogenic for Dilated cardiomyopathy 1G; Autosomal recessive limb-girdle muscular dystrophy type 2J. Last evaluated: 2024-10-18. Review status: criteria provided, single submitter. Criteria: Invitae Variant Classification Sherloc (09022015). Collection method: clinical testing. Allele origin: germline.
Comment: This sequence change affects an acceptor splice site in intron 111 of the TTN gene. It is expected to disrupt RNA splicing and likely results in a truncated or disrupted TTN protein. This variant is not present in population databases (gnomAD no frequency). This variant has not been reported in the literature in individuals affected with TTN-related conditions. Algorithms developed to predict the effect of sequence changes on RNA splicing suggest that this variant may disrupt the consensus splice site. This variant is located in the I band of TTN (PMID: 25589632). Truncating variants in this region have been reported in individuals affected with autosomal recessive centronuclear myopathy (PMID: 23975875, internal data). Truncating variants in this region have also been identified in individuals affected with autosomal dominant dilated cardiomyopathy and/or cardio-related conditions (PMID: 27869827, 32964742, internal data). In summary, the currently available evidence indicates that the variant is pathogenic, but additional data are needed to prove that conclusively. Therefore, this variant has been classified as Likely Pathogenic.

Literature cited by the submitters: PubMed 25589632; PubMed 23975875; PubMed 27869827; PubMed 32964742.